The following is an entry in ClinVar:

NM_025137.4(SPG11):c.1657G>A (p.Glu553Lys)

Gene: SPG11 (SPG11 vesicle trafficking associated, spatacsin; minus strand). Cytogenetic location: 15q21.1.
Variant type: single nucleotide variant.
Coding change: c.1657G>A on transcript NM_025137.4 (MANE Select); coding-DNA position 1657, G replaced by A.
Protein change: p.Glu553Lys; replaces glutamic acid 553 with lysine.
Molecular consequence: missense variant.
Genome position (GRCh38, 1-based): chr15:44,633,583, C>T on the plus strand (G>A on the coding strand, the complement: SPG11 is on the minus strand). VCF-style: chr15-44633583-C-T. GRCh37 (hg19) VCF-style: chr15-44925781-C-T.
Other names: c.1657G>A, p.Glu553Lys (NM_001160227.2, NM_001411132.1); short protein forms E553K.
Identifiers: ClinVar variation 1777383 (VCV001777383.2), dbSNP rs759591726, ClinGen allele CA7535481.
Genomic context (GRCh38, chr15:44,633,583, plus strand): 5'-ATGACAAGTGATCAAACTGATCAGATACAGAAGATTTTGAGGATGGATTAAAAAGATTTT[C>T]CTTGCTCTTCAAAAAGAAATTTACTGTGTCCAGCTGACGATTTTCTATCCCGGCCTGAAA-3'
Protein context (NP_079413.3, residues 543-563): DTVNFFLKSK[Glu553Lys]NLFNPSSKSS

ClinVar aggregate classification (germline): Uncertain significance (1 of 4 stars; one submission).

Conditions:
Inborn genetic diseases. Identifiers: MedGen C0950123, MeSH D030342.

Allele frequency attached by ClinVar (database versions not stated): gnomAD exomes below 0.00001; ExAC 0.00001; gnomAD 0.00005; TOPMed 0.00006.
gnomAD v4.1: 11 of 1,613,004 alleles (0.00068%); highest among the groups gnomAD compares: African/African-American, 0.013%; no homozygotes.

Submission:

Ambry Genetics
Classification: Uncertain significance for Inborn genetic diseases. Last evaluated: 2021-04-29. Review status: criteria provided, single submitter. Criteria: Ambry Variant Classification Scheme 2023. Collection method: clinical testing. Allele origin: germline.
Comment: The p.E553K variant (also known as c.1657G>A), located in coding exon 8 of the SPG11 gene, results from a G to A substitution at nucleotide position 1657. The glutamic acid at codon 553 is replaced by lysine, an amino acid with similar properties. This amino acid position is highly conserved in available vertebrate species. In addition, the in silico prediction for this alteration is inconclusive. Since supporting evidence is limited at this time, the clinical significance of this alteration remains unclear.